The following is an entry in ClinVar:

NM_002734.5(PRKAR1A):c.709-209G>A

Gene: PRKAR1A (protein kinase cAMP-dependent type I regulatory subunit alpha; plus strand). Cytogenetic location: 17q24.2.
Variant type: single nucleotide variant.
Coding change: c.709-209G>A on transcript NM_002734.5 (MANE Select); 209 bases into the intron before coding-DNA position 709, G replaced by A.
Molecular consequence: intron variant.
Genome position (GRCh38, 1-based): chr17:68,527,631, G>A. VCF-style: chr17-68527631-G-A. GRCh37 (hg19) VCF-style: chr17-66523772-G-A.
Other names: c.709-209G>A (NM_001278433.2, NM_001369389.1, NM_212471.3 and 4 more transcripts).
Identifiers: ClinVar variation 677028 (VCV000677028.2), dbSNP rs3785905, ClinGen allele CA293292487.

ClinVar aggregate classification (germline): Benign. Review status: criteria provided, multiple submitters, no conflicts (2 of 4 stars). 2 submissions from 2 submitters: Benign (2). Last evaluated 2018-06-18.

Allele frequency attached by ClinVar (database versions not stated): gnomAD exomes 0.14400; gnomAD 0.14612 and 0.14752; TOPMed 0.15422; 1000 Genomes Project 0.16454; 1000 Genomes Project 30x 0.16661.
gnomAD v4.1: 75,776 of 523,032 alleles (14%); highest among the groups gnomAD compares: South Asian, 19%; 5,749 homozygotes.

Submissions (2):

GeneDx
Classification: Benign. Last evaluated: 2018-06-18. Review status: criteria provided, single submitter. Criteria: GeneDx Variant Classification (06012015). Collection method: clinical testing. Allele origin: germline. Affected: yes.
Comment: This variant is considered likely benign or benign based on one or more of the following criteria: it is a conservative change, it occurs at a poorly conserved position in the protein, it is predicted to be benign by multiple in silico algorithms, and/or has population frequency not consistent with disease.

Breakthrough Genomics
Classification: Benign. Review status: criteria provided, single submitter. Criteria: ACMG Guidelines, 2015. Collection method: not provided. Allele origin: germline. Inheritance: Autosomal dominant inheritance. Affected: yes.